The following is an entry in ClinVar:

NM_022124.6(CDH23):c.2125A>G (p.Ile709Val)

Gene: CDH23 (cadherin related 23; plus strand). Cytogenetic location: 10q22.1.
Variant type: single nucleotide variant.
Coding change: c.2125A>G on transcript NM_022124.6 (MANE Select); coding-DNA position 2125, A replaced by G.
Protein change: p.Ile709Val; replaces isoleucine 709 with valine.
Molecular consequence: missense variant.
Genome position (GRCh38, 1-based): chr10:71,690,533, A>G. VCF-style: chr10-71690533-A-G. GRCh37 (hg19) VCF-style: chr10-73450290-A-G.
Other names: c.2125A>G, p.Ile709Val (NM_001171930.2, NM_001171931.2); short protein forms I709V.
Identifiers: ClinVar variation 960685 (VCV000960685.6), dbSNP rs754027345, ClinGen allele CA5544098.

ClinVar aggregate classification (germline): Uncertain significance. Review status: criteria provided, multiple submitters, no conflicts (2 of 4 stars). 3 submissions from 3 submitters: Uncertain significance (2). 1 of the submissions does not count toward it. Last evaluated 2026-02-27.

Conditions:
Usher syndrome type 1 (USH1). Also called: RETINITIS PIGMENTOSA AND CONGENITAL DEAFNESS. Identifiers: Orphanet 231169, Orphanet 886, MedGen C1568247, MONDO:0010168, OMIM 276900.

Allele frequency attached by ClinVar (database versions not stated): ExAC 0.00001; gnomAD exomes 0.00001; TOPMed 0.00001.
gnomAD v4.1: 22 of 1,611,248 alleles (0.0014%); highest among the groups gnomAD compares: Non-Finnish European, 0.0016%; no homozygotes.

Submissions (3):

GeneDx
Classification: Uncertain significance. Last evaluated: 2026-02-27. Review status: criteria provided, single submitter. Criteria: GeneDx Variant Classification Process June 2021. Collection method: clinical testing. Allele origin: germline.
Comment: Not observed at significant frequency in large population cohorts (gnomAD); In silico analysis supports that this missense variant has a deleterious effect on protein structure/function; Has not been previously published as pathogenic or benign to our knowledge

Labcorp Genetics (formerly Invitae), Labcorp
Classification: Uncertain significance. Last evaluated: 2022-01-26. Review status: criteria provided, single submitter. Criteria: Invitae Variant Classification Sherloc (09022015). Collection method: clinical testing. Allele origin: germline.
Comment: This sequence change replaces isoleucine, which is neutral and non-polar, with valine, which is neutral and non-polar, at codon 709 of the CDH23 protein (p.Ile709Val). The frequency data for this variant in the population databases is considered unreliable, as metrics indicate poor data quality at this position in the gnomAD database. This variant has not been reported in the literature in individuals affected with CDH23-related conditions. ClinVar contains an entry for this variant (Variation ID: 960685). Algorithms developed to predict the effect of missense changes on protein structure and function are either unavailable or do not agree on the potential impact of this missense change (SIFT: "Deleterious"; PolyPhen-2: "Not Available"; Align-GVGD: "Class C25"). In summary, the available evidence is currently insufficient to determine the role of this variant in disease. Therefore, it has been classified as a Variant of Uncertain Significance.

Natera, Inc.
Classification: Uncertain significance for Usher syndrome type 1. Last evaluated: 2020-05-11. Review status: no assertion criteria provided. Collection method: clinical testing. Allele origin: germline. Not counted in ClinVar's aggregate classification.